The following is an entry in ClinVar:

ClinVar aggregate classification (germline): Uncertain significance (1 of 4 stars; one submission).

Submission:

GeneDx
Classification: Uncertain significance. Last evaluated: 2026-07-28. Review status: criteria provided, single submitter. Criteria: GeneDx Variant Classification Process June 2021. Collection method: clinical testing. Allele origin: germline.
Comment: Not observed at significant frequency in large population cohorts (gnomAD); In silico analysis supports that this missense variant has a deleterious effect on protein structure/function; Has not been previously published as pathogenic or benign to our knowledge

NM_020928.2(ZSWIM6):c.1918T>C (p.Phe640Leu)

Gene: ZSWIM6 (zinc finger SWIM-type containing 6; plus strand). Cytogenetic location: 5q12.1.
Variant type: single nucleotide variant.
Coding change: c.1918T>C on transcript NM_020928.2 (MANE Select); coding-DNA position 1918, T replaced by C.
Protein change: p.Phe640Leu; replaces phenylalanine 640 with leucine.
Molecular consequence: missense variant.
Genome position (GRCh38, 1-based): chr5:61,530,132, T>C. VCF-style: chr5-61530132-T-C. GRCh37 (hg19) VCF-style: chr5-60825959-T-C.
Other names: short protein forms F640L.
Identifiers: ClinVar variation 3373351 (VCV003373351.2).